The following is an entry in ClinVar:

NM_001165963.4(SCN1A):c.2415G>C (p.Leu805Phe)

Gene: SCN1A (sodium voltage-gated channel alpha subunit 1; minus strand). Cytogenetic location: 2q24.3.
Variant type: single nucleotide variant.
Coding change: c.2415G>C on transcript NM_001165963.4 (MANE Select); coding-DNA position 2415, G replaced by C.
Protein change: p.Leu805Phe; replaces leucine 805 with phenylalanine.
Molecular consequence: missense variant. On other transcripts: 5 prime UTR variant (1), non-coding transcript variant (1).
Genome position (GRCh38, 1-based): chr2:166,041,231, C>G on the plus strand (G>C on the coding strand, the complement: SCN1A is on the minus strand). VCF-style: chr2-166041231-C-G. GRCh37 (hg19) VCF-style: chr2-166897741-C-G.
Other names: c.2331G>C, p.Leu777Phe (NM_001165964.3, NM_001353957.2, NM_001353958.2); c.2415G>C, p.Leu805Phe (NM_001202435.3, NM_001353948.2); c.2382G>C, p.Leu794Phe (NM_001353949.2, NM_001353950.2, NM_001353951.2 and 2 more transcripts); c.2379G>C, p.Leu793Phe (NM_001353954.2, NM_001353955.2); c.2328G>C, p.Leu776Phe (NM_001353960.2); c.-44G>C (NM_001353961.2); short protein forms L776F, L777F, L793F, L794F, L805F.
Identifiers: ClinVar variation 4874504 (VCV004874504.2).

ClinVar aggregate classification (germline): Uncertain significance (1 of 4 stars; one submission).

Submission:

CeGaT Center for Human Genetics Tuebingen
Classification: Uncertain significance. Last evaluated: 2026-04-01. Review status: criteria provided, single submitter. Criteria: CeGaT Center For Human Genetics Tuebingen Variant Classification Criteria Version 2. Collection method: clinical testing. Allele origin: germline. Affected: yes. Observed: 1 variant allele.
Comment: SCN1A: PM2, PP2, PP3